The following is an entry in ClinVar:

NM_000152.5(GAA):c.1948C>A (p.Leu650Met)

Gene: GAA (alpha glucosidase; plus strand). Cytogenetic location: 17q25.3.
Variant type: single nucleotide variant.
Coding change: c.1948C>A on transcript NM_000152.5 (MANE Select); coding-DNA position 1948, C replaced by A.
Protein change: p.Leu650Met; replaces leucine 650 with methionine.
Molecular consequence: missense variant.
Genome position (GRCh38, 1-based): chr17:80,112,935, C>A. VCF-style: chr17-80112935-C-A. GRCh37 (hg19) VCF-style: chr17-78086734-C-A.
Other names: c.1948C>A (LRG_673t1); c.1948C>A, p.Leu650Met (NM_001079803.3, NM_001079804.3); short protein forms L650M.
Identifiers: ClinVar variation 526519 (VCV000526519.6), dbSNP rs1359573192, ClinGen allele CA401369935.

ClinVar aggregate classification (germline): Uncertain significance (1 of 4 stars; one submission).

Conditions:
Glycogen storage disease, type II (IOPD). Also called: CARDIOMEGALIA GLYCOGENICA DIFFUSA; GLYCOGENOSIS, GENERALIZED, CARDIAC FORM; GSD II; POMPE DISEASE, INFANTILE-ONSET; GLYCOGEN STORAGE DISEASE II, INFANTILE-ONSET; ACID ALPHA-GLUCOSIDASE DEFICIENCY, INFANTILE-ONSET. Identifiers: Orphanet 365, MedGen C0017921, MONDO:0009290, OMIM 232300.

Submission:

Labcorp Genetics (formerly Invitae), Labcorp
Classification: Uncertain significance for Glycogen storage disease, type II. Last evaluated: 2021-08-27. Review status: criteria provided, single submitter. Criteria: Invitae Variant Classification Sherloc (09022015). Collection method: clinical testing. Allele origin: germline.
Comment: This sequence change replaces leucine with methionine at codon 650 of the GAA protein (p.Leu650Met). The leucine residue is moderately conserved and there is a small physicochemical difference between leucine and methionine. This variant is not present in population databases (ExAC no frequency). This variant has not been reported in the literature in individuals affected with GAA-related conditions. Algorithms developed to predict the effect of missense changes on protein structure and function (SIFT, PolyPhen-2, Align-GVGD) all suggest that this variant is likely to be tolerated. In summary, the available evidence is currently insufficient to determine the role of this variant in disease. Therefore, it has been classified as a Variant of Uncertain Significance.